The following is an entry in ClinVar:

ClinVar aggregate classification (germline): Likely pathogenic (1 of 4 stars; one submission).

Conditions:
Opsismodysplasia (OPSMD). Also called: INPPL1-Related Opsismodysplasia. Identifiers: Orphanet 2746, MedGen C0432219, MONDO:0009785, OMIM 258480.

Submission:

Baylor Genetics
Classification: Likely pathogenic for Opsismodysplasia. Last evaluated: 2020-01-22. Review status: criteria provided, single submitter. Criteria: ACMG Guidelines, 2015. Collection method: clinical testing. Allele origin: unknown. Affected: yes.
Comment: This variant was determined to be likely pathogenic according to ACMG Guidelines, 2015 [PMID:25741868].

NM_001567.4(INPPL1):c.3549_3550insA (p.Glu1184fs)

Gene: INPPL1 (inositol polyphosphate phosphatase like 1; plus strand). Cytogenetic location: 11q13.4.
Variant type: Insertion.
Coding change: c.3549_3550insA on transcript NM_001567.4 (MANE Select); coding-DNA positions 3549 to 3550, A inserted.
Protein change: p.Glu1184fs; shifts the reading frame from glutamic acid 1184.
Molecular consequence: frameshift variant.
Genome position: GRCh38 VCF-style: chr11-72237793-G-GA. GRCh37 (hg19) VCF-style: chr11-71948837-G-GA.
Other names: short protein forms E1184fs.
Identifiers: ClinVar variation 1029357 (VCV001029357.1), dbSNP rs1949036008, ClinGen allele CA1981901570.